The following is an entry in ClinVar:

ClinVar aggregate classification (germline): Uncertain significance (1 of 4 stars; one submission).

Conditions:
Inborn genetic diseases. Identifiers: MedGen C0950123, MeSH D030342.

Allele frequency attached by ClinVar (database versions not stated): gnomAD exomes below 0.00001; ExAC 0.00001; gnomAD 0.00003; TOPMed 0.00003.
gnomAD v4.1: 8 of 1,613,122 alleles (0.0005%); highest among the groups gnomAD compares: African/African-American, 0.0053%; no homozygotes.

Submission:

Ambry Genetics
Classification: Uncertain significance for Inborn genetic diseases. Last evaluated: 2022-03-25. Review status: criteria provided, single submitter. Criteria: Ambry Variant Classification Scheme 2023. Collection method: clinical testing. Allele origin: germline.
Comment: The c.4219-3T>C intronic alteration consists of a T to C substitution 3 nucleotides before coding exon 39 in the UBR1 gene. Based on insufficient or conflicting evidence, the clinical significance of this alteration remains unclear.

NM_174916.3(UBR1):c.4219-3T>C

Gene: UBR1 (ubiquitin protein ligase E3 component n-recognin 1; minus strand). Cytogenetic location: 15q15.2.
Variant type: single nucleotide variant.
Coding change: c.4219-3T>C on transcript NM_174916.3 (MANE Select); 3 bases into the intron before coding-DNA position 4219, T replaced by C.
Molecular consequence: intron variant.
Genome position (GRCh38, 1-based): chr15:42,976,870, A>G on the plus strand (T>C on the coding strand, the complement: UBR1 is on the minus strand). VCF-style: chr15-42976870-A-G. GRCh37 (hg19) VCF-style: chr15-43269068-A-G.
Identifiers: ClinVar variation 2221540 (VCV002221540.2), dbSNP rs780001296, ClinGen allele CA7517940.